The following is an entry in ClinVar:

ClinVar aggregate classification (germline): Uncertain significance (1 of 4 stars; one submission).

Conditions:
Hereditary cancer-predisposing syndrome. Also called: Tumor predisposition; Hereditary Cancer Syndrome; Hereditary neoplastic syndrome; Neoplastic Syndromes, Hereditary. Identifiers: Orphanet 140162, MedGen C0027672, MeSH D009386, MONDO:0015356.
Familial thoracic aortic aneurysm and aortic dissection (TAAD). Also called: Thoracic aortic aneurysms and dissections. Identifiers: Orphanet 91387, MedGen C4707243, MONDO:0019625.

Submission:

Ambry Genetics
Classification: Uncertain significance for Hereditary cancer-predisposing syndrome; Familial thoracic aortic aneurysm and aortic dissection. Last evaluated: 2025-10-29. Review status: criteria provided, single submitter. Criteria: Ambry Variant Classification Scheme 2023. Collection method: clinical testing. Allele origin: germline.
Comment: The p.G477E variant (also known as c.1430G>A), located in coding exon 10 of the SMAD4 gene, results from a G to A substitution at nucleotide position 1430. The glycine at codon 477 is replaced by glutamic acid, an amino acid with similar properties. This amino acid position is conserved. In addition, this alteration is predicted to be deleterious by in silico analysis. Based on the available evidence, the clinical significance of this variant remains unclear.

NM_005359.6(SMAD4):c.1430G>A (p.Gly477Glu)

Gene: SMAD4 (SMAD family member 4; plus strand). Cytogenetic location: 18q21.2.
Variant type: single nucleotide variant.
Coding change: c.1430G>A on transcript NM_005359.6 (MANE Select); coding-DNA position 1430, G replaced by A.
Protein change: p.Gly477Glu; replaces glycine 477 with glutamic acid.
Molecular consequence: missense variant. On other transcripts: non-coding transcript variant (1).
Genome position (GRCh38, 1-based): chr18:51,076,759, G>A. VCF-style: chr18-51076759-G-A. GRCh37 (hg19) VCF-style: chr18-48603129-G-A.
Other names: c.1430G>A, p.Gly477Glu (NM_001407041.1, NM_001407042.1); short protein forms G477E.
Identifiers: ClinVar variation 4559005 (VCV004559005.1).